The following is an entry in ClinVar:

NM_001374353.1(GLI2):c.1589C>T (p.Ala530Val)

Gene: GLI2 (GLI family zinc finger 2; plus strand). Cytogenetic location: 2q14.2.
Variant type: single nucleotide variant.
Coding change: c.1589C>T on transcript NM_001374353.1 (MANE Select); coding-DNA position 1589, C replaced by T.
Protein change: p.Ala530Val; replaces alanine 530 with valine.
Molecular consequence: missense variant.
Genome position (GRCh38, 1-based): chr2:120,982,837, C>T. VCF-style: chr2-120982837-C-T. GRCh37 (hg19) VCF-style: chr2-121740413-C-T.
Other names: c.1640C>T, p.Ala547Val (NM_001371271.1, NM_005270.5); c.1214C>T, p.Ala405Val (NM_001374354.1); short protein forms A405V, A530V, A547V.
Identifiers: ClinVar variation 1929810 (VCV001929810.5), dbSNP rs2467741938, ClinGen allele CA348162410.
Genomic context (GRCh38, chr2:120,982,837, plus strand): 5'-ACACCGGGGAGAAGCCATATGTGTGTGAGCACGAGGGCTGCAACAAAGCCTTCTCCAACG[C>T]CTCGGACCGCGCCAAGCACCAGAATCGCACCCACTCCAACGAGGTACCTCTGCGGGGCAT-3'
Protein context (NP_001361282.1, residues 520-540): HEGCNKAFSN[Ala530Val]SDRAKHQNRT

ClinVar aggregate classification (germline): Uncertain significance (1 of 4 stars; one submission).

Conditions:
Holoprosencephaly 9 (HPE9). Also called: PITUITARY ANOMALIES WITH HOLOPROSENCEPHALY-LIKE FEATURES; HOLOPROSENCEPHALY WITH MICROPHTHALMIA AND FIRST BRANCHIAL ARCH ANOMALIES. Identifiers: Orphanet 2162, MedGen C1835819, MONDO:0012563, OMIM 610829.
Postaxial polydactyly-anterior pituitary anomalies-facial dysmorphism syndrome. Also called: Culler-Jones syndrome. Identifiers: Orphanet 420584, MedGen C4014479, MONDO:0014369, OMIM 615849.

Submission:

Labcorp Genetics (formerly Invitae), Labcorp
Classification: Uncertain significance for Postaxial polydactyly-anterior pituitary anomalies-facial dysmorphism syndrome; Holoprosencephaly 9. Last evaluated: 2023-07-17. Review status: criteria provided, single submitter. Criteria: Invitae Variant Classification Sherloc (09022015). Collection method: clinical testing. Allele origin: germline.
Comment: This sequence change replaces alanine, which is neutral and non-polar, with valine, which is neutral and non-polar, at codon 547 of the GLI2 protein (p.Ala547Val). In summary, the available evidence is currently insufficient to determine the role of this variant in disease. Therefore, it has been classified as a Variant of Uncertain Significance. Advanced modeling of protein sequence and biophysical properties (such as structural, functional, and spatial information, amino acid conservation, physicochemical variation, residue mobility, and thermodynamic stability) performed at Invitae indicates that this missense variant is expected to disrupt GLI2 protein function. ClinVar contains an entry for this variant (Variation ID: 1929810). This variant has not been reported in the literature in individuals affected with GLI2-related conditions. This variant is not present in population databases (gnomAD no frequency).